The following is an entry in ClinVar:

NM_015164.4(PLEKHM2):c.2293T>C (p.Cys765Arg)

Gene: PLEKHM2 (pleckstrin homology and RUN domain containing M2; plus strand). Cytogenetic location: 1p36.21.
Variant type: single nucleotide variant.
Coding change: c.2293T>C on transcript NM_015164.4 (MANE Select); coding-DNA position 2293, T replaced by C.
Protein change: p.Cys765Arg; replaces cysteine 765 with arginine.
Molecular consequence: missense variant.
Genome position (GRCh38, 1-based): chr1:15,730,616, T>C. VCF-style: chr1-15730616-T-C. GRCh37 (hg19) VCF-style: chr1-16057111-T-C.
Other names: c.2233T>C, p.Cys745Arg (NM_001410755.1); short protein forms C745R, C765R.
Identifiers: ClinVar variation 2877718 (VCV002877718.3), dbSNP rs751266504, ClinGen allele CA617205.

ClinVar aggregate classification (germline): Uncertain significance (1 of 4 stars; one submission).

Allele frequency attached by ClinVar (database versions not stated): gnomAD exomes below 0.00001; ExAC 0.00001.
gnomAD v4.1: 2 of 1,608,006 alleles (0.00012%); highest among the groups gnomAD compares: Non-Finnish European, 0.00017%; no homozygotes.

Submission:

Labcorp Genetics (formerly Invitae), Labcorp
Classification: Uncertain significance. Last evaluated: 2023-10-28. Review status: criteria provided, single submitter. Criteria: Invitae Variant Classification Sherloc (09022015). Collection method: clinical testing. Allele origin: germline.
Comment: This sequence change replaces cysteine, which is neutral and slightly polar, with arginine, which is basic and polar, at codon 765 of the PLEKHM2 protein (p.Cys765Arg). This variant is not present in population databases (gnomAD no frequency). This variant has not been reported in the literature in individuals affected with PLEKHM2-related conditions. An algorithm developed to predict the effect of missense changes on protein structure and function (PolyPhen-2) suggests that this variant is likely to be tolerated. In summary, the available evidence is currently insufficient to determine the role of this variant in disease. Therefore, it has been classified as a Variant of Uncertain Significance.